The following is an entry in ClinVar:

ClinVar aggregate classification (germline): Benign (0 of 4 stars; one submission).

Conditions:
CYP4F2-related disorder. Also called: CYP4F2-related condition.

Allele frequency attached by ClinVar (database versions not stated): gnomAD exomes 0.00035; ExAC 0.00131; gnomAD 0.00394; TOPMed 0.00458; 1000 Genomes Project 0.00479; ESP Exome Variant Server 0.00493; 1000 Genomes Project 30x 0.00500.
gnomAD v4.1: 1,146 of 1,613,954 alleles (0.071%); highest among the groups gnomAD compares: African/African-American, 1.3%; 9 homozygotes.

Submission:

PreventionGenetics, part of Exact Sciences
Classification: Benign for CYP4F2-related condition. Last evaluated: 2019-08-26. Review status: no assertion criteria provided. Collection method: clinical testing. Allele origin: germline.
Comment: This variant is classified as benign based on ACMG/AMP sequence variant interpretation guidelines (Richards et al. 2015 PMID: 25741868, with internal and published modifications).

NM_001082.5(CYP4F2):c.46G>C (p.Ala16Pro)

Gene: CYP4F2 (cytochrome P450 family 4 subfamily F member 2; minus strand). Cytogenetic location: 19p13.12.
Variant type: single nucleotide variant.
Coding change: c.46G>C on transcript NM_001082.5 (MANE Select); coding-DNA position 46, G replaced by C.
Protein change: p.Ala16Pro; replaces alanine 16 with proline.
Molecular consequence: missense variant.
Genome position (GRCh38, 1-based): chr19:15,897,566, C>G on the plus strand (G>C on the coding strand, the complement: CYP4F2 is on the minus strand). VCF-style: chr19-15897566-C-G. GRCh37 (hg19) VCF-style: chr19-16008376-C-G.
Other names: short protein forms A16P.
Identifiers: ClinVar variation 3052405 (VCV003052405.2), dbSNP rs114099324, ClinGen allele CA9274179.